The following is an entry in ClinVar:

NM_001395413.1(POR):c.1483C>T (p.Arg495Trp)

Gene: POR (cytochrome p450 oxidoreductase; plus strand). Cytogenetic location: 7q11.23.
Variant type: single nucleotide variant.
Coding change: c.1483C>T on transcript NM_001395413.1 (MANE Select); coding-DNA position 1483, C replaced by T.
Protein change: p.Arg495Trp; replaces arginine 495 with tryptophan.
Molecular consequence: missense variant.
Genome position (GRCh38, 1-based): chr7:75,985,672, C>T. VCF-style: chr7-75985672-C-T. GRCh37 (hg19) VCF-style: chr7-75614990-C-T.
Other names: c.1492C>T, p.Arg498Trp (NM_000941.3); c.1483C>T, p.Arg495Trp (NM_001367562.3, NM_001382657.2, NM_001382658.3 and 1 more transcripts); c.1537C>T, p.Arg513Trp (NM_001382655.3); c.1333C>T, p.Arg445Trp (NM_001382662.3); short protein forms R495W, R498W, R445W, R513W.
Identifiers: ClinVar variation 2146399 (VCV002146399.1), dbSNP rs781994682, ClinGen allele CA4304156.

ClinVar aggregate classification (germline): Uncertain significance (1 of 4 stars; one submission).

Conditions:
Congenital adrenal hyperplasia due to cytochrome P450 oxidoreductase deficiency. Also called: DISORDERED STEROIDOGENESIS DUE TO POR DEFICIENCY. Identifiers: Orphanet 95699, MedGen C1860042, MONDO:0013310, OMIM 613571.

Allele frequency attached by ClinVar (database versions not stated): gnomAD 0.00001; ExAC 0.00003.

Submission:

Labcorp Genetics (formerly Invitae), Labcorp
Classification: Uncertain significance for Congenital adrenal hyperplasia due to cytochrome P450 oxidoreductase deficiency. Last evaluated: 2022-03-07. Review status: criteria provided, single submitter. Criteria: Invitae Variant Classification Sherloc (09022015). Collection method: clinical testing. Allele origin: germline.
Comment: This sequence change replaces arginine, which is basic and polar, with tryptophan, which is neutral and slightly polar, at codon 498 of the POR protein (p.Arg498Trp). The frequency data for this variant in the population databases is considered unreliable, as metrics indicate poor data quality at this position in the gnomAD database. This variant has not been reported in the literature in individuals affected with POR-related conditions. Algorithms developed to predict the effect of missense changes on protein structure and function are either unavailable or do not agree on the potential impact of this missense change (SIFT: "Deleterious"; PolyPhen-2: "Benign"; Align-GVGD: "Class C0"). In summary, the available evidence is currently insufficient to determine the role of this variant in disease. Therefore, it has been classified as a Variant of Uncertain Significance.